The following is an entry in ClinVar:

ClinVar aggregate classification (germline): Uncertain significance (1 of 4 stars; one submission).

Conditions:
Inborn genetic diseases. Identifiers: MedGen C0950123, MeSH D030342.

Submission:

Ambry Genetics
Classification: Uncertain significance for Inborn genetic diseases. Last evaluated: 2025-09-22. Review status: criteria provided, single submitter. Criteria: Ambry Variant Classification Scheme 2023. Collection method: clinical testing. Allele origin: germline.
Comment: The c.2107+3A>G intronic alteration results from an A to G substitution 3 nucleotides after coding exon 16 of the CACNA1A gene. ; however, it is unlikely to be causative of CACNA1A-related spinocerebellar ataxia. This variant was not reported in population-based cohorts in the Genome Aggregation Database (gnomAD). This nucleotide position is highly conserved in available vertebrate species. In silico splice site analysis predicts that this alteration will weaken the native splice donor site. Based on insufficient or conflicting evidence, the clinical significance of this alteration remains unclear.

NM_001127222.2(CACNA1A):c.2104+3A>G

Gene: CACNA1A (calcium voltage-gated channel subunit alpha1 A; minus strand). Cytogenetic location: 19p13.13.
Variant type: single nucleotide variant.
Coding change: c.2104+3A>G on transcript NM_001127222.2 (MANE Select); 3 bases into the intron after coding-DNA position 2104, A replaced by G.
Molecular consequence: intron variant.
Genome position (GRCh38, 1-based): chr19:13,303,764, T>C on the plus strand (A>G on the coding strand, the complement: CACNA1A is on the minus strand). VCF-style: chr19-13303764-T-C. GRCh37 (hg19) VCF-style: chr19-13414578-T-C.
Other names: c.2107+3A>G (NM_001127221.2, NM_001174080.2, NM_000068.4 and 1 more transcripts).
Identifiers: ClinVar variation 4602331 (VCV004602331.1).